The following is an entry in ClinVar:

ClinVar aggregate classification (germline): Uncertain significance (1 of 4 stars; one submission).

gnomAD v4.1: 1 of 1,607,970 alleles (0.000062%); highest among the groups gnomAD compares: Non-Finnish European, 0.000085%; no homozygotes.

Submission:

Labcorp Genetics (formerly Invitae), Labcorp
Classification: Uncertain significance. Last evaluated: 2025-09-01. Review status: criteria provided, single submitter. Criteria: Invitae Variant Classification Sherloc (09022015). Collection method: clinical testing. Allele origin: germline.
Comment: This sequence change replaces histidine, which is basic and polar, with tyrosine, which is neutral and polar, at codon 521 of the ERBIN protein (p.His521Tyr). This variant is not present in population databases (gnomAD no frequency). This variant has not been reported in the literature in individuals affected with ERBIN-related conditions. An algorithm developed to predict the effect of missense changes on protein structure and function (PolyPhen-2) suggests that this variant is likely to be tolerated. In summary, the available evidence is currently insufficient to determine the role of this variant in disease. Therefore, it has been classified as a Variant of Uncertain Significance.

NM_001253697.2(ERBIN):c.1561C>T (p.His521Tyr)

Gene: ERBIN (erbb2 interacting protein; plus strand). Cytogenetic location: 5q12.3.
Variant type: single nucleotide variant.
Coding change: c.1561C>T on transcript NM_001253697.2 (MANE Select); coding-DNA position 1561, C replaced by T.
Protein change: p.His521Tyr; replaces histidine 521 with tyrosine.
Molecular consequence: missense variant.
Genome position (GRCh38, 1-based): chr5:66,044,269, C>T. VCF-style: chr5-66044269-C-T. GRCh37 (hg19) VCF-style: chr5-65340097-C-T.
Other names: c.1561C>T, p.His521Tyr (NM_001006600.3, NM_001253698.2, NM_001253699.2 and 2 more transcripts); short protein forms H521Y.
Identifiers: ClinVar variation 4797747 (VCV004797747.1).